The following is an entry in ClinVar:

ClinVar aggregate classification (germline): Uncertain significance (1 of 4 stars; one submission).

Conditions:
Cardiovascular phenotype. Identifiers: MedGen CN230736.

Allele frequency attached by ClinVar (database versions not stated): ExAC 0.00001.

Submission:

Ambry Genetics
Classification: Uncertain significance for Cardiovascular phenotype. Last evaluated: 2020-11-17. Review status: criteria provided, single submitter. Criteria: Ambry Variant Classification Scheme 2023. Collection method: clinical testing. Allele origin: germline.
Comment: The p.A125T variant (also known as c.373G>A), located in coding exon 4 of the TECRL gene, results from a G to A substitution at nucleotide position 373. The alanine at codon 125 is replaced by threonine, an amino acid with similar properties. This amino acid position is highly conserved in available vertebrate species. In addition, this alteration is predicted to be tolerated by in silico analysis. Since supporting evidence is limited at this time, the clinical significance of this alteration remains unclear.

NM_001010874.5(TECRL):c.373G>A (p.Ala125Thr)

Gene: TECRL (trans-2,3-enoyl-CoA reductase like; minus strand). Cytogenetic location: 4q13.1.
Variant type: single nucleotide variant.
Coding change: c.373G>A on transcript NM_001010874.5 (MANE Select); coding-DNA position 373, G replaced by A.
Protein change: p.Ala125Thr; replaces alanine 125 with threonine.
Molecular consequence: missense variant.
Genome position (GRCh38, 1-based): chr4:64,322,751, C>T on the plus strand (G>A on the coding strand, the complement: TECRL is on the minus strand). VCF-style: chr4-64322751-C-T. GRCh37 (hg19) VCF-style: chr4-65188469-C-T.
Other names: c.373G>A, p.Ala125Thr (NM_001363796.1); short protein forms A125T.
Identifiers: ClinVar variation 1734462 (VCV001734462.2), dbSNP rs781536953, ClinGen allele CA2935570.